The following is an entry in ClinVar:

ClinVar aggregate classification (germline): Pathogenic (1 of 4 stars; one submission).

Conditions:
Neurofibromatosis, type 1 (NF1). Also called: NEUROFIBROMATOSIS, TYPE I, SOMATIC; VON RECKLINGHAUSEN DISEASE; Peripheral type neurofibromatosis; Neurofibromatosis, type I. Identifiers: Orphanet 636, MedGen C0027831, MONDO:0018975, OMIM 162200. Disease mechanism: loss of function.

Submission:

Labcorp Genetics (formerly Invitae), Labcorp
Classification: Pathogenic for Neurofibromatosis, type 1. Last evaluated: 2025-09-01. Review status: criteria provided, single submitter. Criteria: Invitae Variant Classification Sherloc (09022015). Collection method: clinical testing. Allele origin: germline.
Comment: This sequence change creates a premature translational stop signal (p.Lys2286Argfs*12) in the NF1 gene. It is expected to result in an absent or disrupted protein product. Loss-of-function variants in NF1 are known to be pathogenic (PMID: 10712197, 23913538). This variant is not present in population databases (gnomAD no frequency). This variant has not been reported in the literature in individuals affected with NF1-related conditions. Algorithms developed to predict the effect of sequence changes on RNA splicing suggest that this variant may disrupt the consensus splice site. For these reasons, this variant has been classified as Pathogenic.

Literature cited by the submitters: PubMed 10712197; PubMed 23913538.

NM_001042492.3(NF1):c.6920del (p.Lys2307fs)

Gene: NF1 (neurofibromin 1; plus strand). Cytogenetic location: 17q11.2.
Variant type: Deletion.
Coding change: c.6920del on transcript NM_001042492.3 (MANE Select); coding-DNA position 6920, one base deleted (A; older notation c.6920delA).
Protein change: p.Lys2307fs; shifts the reading frame from lysine 2307.
Molecular consequence: frameshift variant.
Genome position (GRCh38, 1-based): chr17:31,338,804, A deleted; the last of 2 consecutive A bases (chr17:31,338,803-31,338,804); deleting either gives the same sequence. VCF-style (leftmost placement, unchanged base first): chr17-31338802-TA-T. GRCh37 (hg19) VCF-style: chr17-29665820-TA-T.
Other names: c.6857del, p.Lys2286fs (NM_000267.4); short protein forms K2286fs, K2307fs.
Identifiers: ClinVar variation 4726446 (VCV004726446.1).
Genomic context (GRCh38, chr17:31,338,802, plus strand): 5'-CAGTCAAGTTCTGATAGAAGCTACAGTAATAGCACTAACCAAATTACAGCCACTTCTTAA[TA>T]AGGTAATTACTGTATAGAAAATGAGTGCATTCATTTTGGGTATCAGTGTTGAATGTTACT-3'